The following is an entry in ClinVar:

NM_001042492.3(NF1):c.8156del (p.Phe2718_Ser2719insTer)

Gene: NF1 (neurofibromin 1; plus strand). Cytogenetic location: 17q11.2.
Variant type: Deletion.
Coding change: c.8156del on transcript NM_001042492.3 (MANE Select); coding-DNA position 8156, one base deleted (C; older notation c.8156delC).
Protein change: p.Phe2718_Ser2719insTer.
Molecular consequence: nonsense. On other transcripts: frameshift variant (1).
Genome position (GRCh38, 1-based): chr17:31,359,011, C deleted. VCF-style (leftmost placement, unchanged base first): chr17-31359010-TC-T. GRCh37 (hg19) VCF-style: chr17-29686028-TC-T.
Other names: c.8093delC, p.Ser2698Terfs (NM_000267.4).
Identifiers: ClinVar variation 2027434 (VCV002027434.4), dbSNP rs2508838042, ClinGen allele CA2580093501.

ClinVar aggregate classification (germline): Pathogenic (1 of 4 stars; one submission).

Conditions:
Neurofibromatosis, type 1 (NF1). Also called: NEUROFIBROMATOSIS, TYPE I, SOMATIC; Neurofibromatosis, type I; Peripheral type neurofibromatosis; VON RECKLINGHAUSEN DISEASE. Identifiers: Orphanet 636, MedGen C0027831, MONDO:0018975, OMIM 162200. Disease mechanism: loss of function.

Submission:

Labcorp Genetics (formerly Invitae), Labcorp
Classification: Pathogenic for Neurofibromatosis, type 1. Last evaluated: 2022-08-27. Review status: criteria provided, single submitter. Criteria: Invitae Variant Classification Sherloc (09022015). Collection method: clinical testing. Allele origin: germline.
Comment: For these reasons, this variant has been classified as Pathogenic. This premature translational stop signal has been observed in individual(s) with neurofibromatosis type 1 (PMID: 11857752). This variant is not present in population databases (gnomAD no frequency). This sequence change creates a premature translational stop signal (p.Ser2698*) in the NF1 gene. It is expected to result in an absent or disrupted protein product. Loss-of-function variants in NF1 are known to be pathogenic (PMID: 10712197, 23913538).

Literature cited by the submitters: PubMed 11857752; PubMed 10712197; PubMed 23913538.